The following is an entry in ClinVar:

NM_018942.3(HMX1):c.*2C>T

Gene: HMX1 (H6 family homeobox 1; minus strand). Cytogenetic location: 4p16.1.
Variant type: single nucleotide variant.
Coding change: c.*2C>T on transcript NM_018942.3 (MANE Select); 2 bases downstream of the stop codon, C replaced by T.
Molecular consequence: 3 prime UTR variant. On other transcripts: intron variant (1).
Genome position (GRCh38, 1-based): chr4:8,867,691, G>A on the plus strand (C>T on the coding strand, the complement: HMX1 is on the minus strand). VCF-style: chr4-8867691-G-A. GRCh37 (hg19) VCF-style: chr4-8869417-G-A.
Other names: c.394+3530C>T (NM_001306142.2).
Identifiers: ClinVar variation 3049799 (VCV003049799.2), dbSNP rs933276759, ClinGen allele CA92349770.

ClinVar aggregate classification (germline): Likely benign (0 of 4 stars; one submission).

Conditions:
HMX1-related disorder. Also called: HMX1-related condition.

Allele frequency attached by ClinVar (database versions not stated): 1000 Genomes Project 30x 0.00016; gnomAD 0.00021; gnomAD exomes 0.00047.

Submission:

PreventionGenetics, part of Exact Sciences
Classification: Likely benign for HMX1-related condition. Last evaluated: 2019-04-17. Review status: no assertion criteria provided. Collection method: clinical testing. Allele origin: germline.
Comment: This variant is classified as likely benign based on ACMG/AMP sequence variant interpretation guidelines (Richards et al. 2015 PMID: 25741868, with internal and published modifications).